The following is an entry in ClinVar:

ClinVar aggregate classification (germline): Pathogenic (1 of 4 stars; one submission).

Submission:

Labcorp Genetics (formerly Invitae), Labcorp
Classification: Pathogenic. Last evaluated: 2026-01-24. Review status: criteria provided, single submitter. Criteria: Invitae Variant Classification Sherloc (09022015). Collection method: clinical testing. Allele origin: germline.
Comment: This sequence change creates a premature translational stop signal (p.Arg1019Valfs*7) in the SKIV2L gene. It is expected to result in an absent or disrupted protein product. Loss-of-function variants in SKIV2L are known to be pathogenic (PMID: 22444670). This variant is present in population databases (rs779722086, gnomAD 0.02%). This variant has not been reported in the literature in individuals affected with SKIV2L-related conditions. ClinVar contains an entry for this variant (Variation ID: 1986392). For these reasons, this variant has been classified as Pathogenic.

Literature cited by the submitters: PubMed 22444670.

NM_006929.5(SKIC2):c.3055del (p.Arg1019fs)

Gene: SKIC2 (SKI2 subunit of superkiller complex; plus strand). Cytogenetic location: 6p21.33.
Variant type: Deletion.
Coding change: c.3055del on transcript NM_006929.5 (MANE Select); coding-DNA position 3055, one base deleted (C; older notation c.3055delC).
Protein change: p.Arg1019fs; shifts the reading frame from arginine 1019.
Molecular consequence: frameshift variant.
Genome position (GRCh38, 1-based): chr6:31,968,524, C deleted; the last of 5 consecutive C bases (chr6:31,968,520-31,968,524); deleting any one gives the same sequence. VCF-style (leftmost placement, unchanged base first): chr6-31968519-GC-G. GRCh37 (hg19) VCF-style: chr6-31936296-GC-G.
Other names: short protein forms R1019fs.
Identifiers: ClinVar variation 1986392 (VCV001986392.4), dbSNP rs779722086, ClinGen allele CA3729939.